The following is an entry in ClinVar:

NM_000784.4(CYP27A1):c.1228G>A (p.Glu410Lys)

Gene: CYP27A1 (cytochrome P450 family 27 subfamily A member 1; plus strand). Cytogenetic location: 2q35.
Variant type: single nucleotide variant.
Coding change: c.1228G>A on transcript NM_000784.4 (MANE Select); coding-DNA position 1228, G replaced by A.
Protein change: p.Glu410Lys; replaces glutamic acid 410 with lysine.
Molecular consequence: missense variant.
Genome position (GRCh38, 1-based): chr2:218,814,423, G>A. VCF-style: chr2-218814423-G-A. GRCh37 (hg19) VCF-style: chr2-219679146-G-A.
Other names: short protein forms E410K.
Identifiers: ClinVar variation 3375713 (VCV003375713.1).
Genomic context (GRCh38, chr2:218,814,423, plus strand): 5'-CATTCTTTTCCCTGCAGTCTCTACCCTGTGGTCCCCACAAACTCCCGGATCATAGAAAAG[G>A]AAATTGAAGTTGATGGCTTCCTCTTCCCCAAGAACGTGAGTGGGGCTAGAGAGCCCGATT-3'
Protein context (NP_000775.1, residues 400-420): VPTNSRIIEK[Glu410Lys]IEVDGFLFPK

ClinVar aggregate classification (germline): Uncertain significance (1 of 4 stars; one submission).

gnomAD v4.1: 2 of 1,614,252 alleles (0.00012%); highest among the groups gnomAD compares: East Asian, 0.0045%; no homozygotes.

Submission:

GeneDx
Classification: Uncertain significance. Last evaluated: 2024-05-11. Review status: criteria provided, single submitter. Criteria: GeneDx Variant Classification Process June 2021. Collection method: clinical testing. Allele origin: germline. Affected: yes.
Comment: Not observed at significant frequency in large population cohorts (gnomAD); In silico analysis supports that this missense variant has a deleterious effect on protein structure/function; Has not been previously published as pathogenic or benign to our knowledge